The following is an entry in ClinVar:

ClinVar aggregate classification (germline): Likely pathogenic (1 of 4 stars; one submission).

Conditions:
ARFGEF2-related disorder. Also called: ARFGEF2-related condition.

Submission:

PreventionGenetics, part of Exact Sciences
Classification: Likely pathogenic for ARFGEF2-related condition. Last evaluated: 2025-02-23. Review status: criteria provided, single submitter. Criteria: ACMG Guidelines, 2015. Collection method: clinical testing. Allele origin: germline.
Comment: The ARFGEF2 c.3852delT variant is predicted to result in a frameshift and premature protein termination (p.Asp1285Thrfs*32). To our knowledge, this variant has not been reported in the literature or in a large population database, indicating this variant is rare. Frameshift variants in ARFGEF2 are expected to be pathogenic. This variant is interpreted as likely pathogenic.

NM_006420.3(ARFGEF2):c.3852del (p.Asp1285fs)

Gene: ARFGEF2 (ARF guanine nucleotide exchange factor 2; plus strand). Cytogenetic location: 20q13.13.
Variant type: Deletion.
Coding change: c.3852del on transcript NM_006420.3 (MANE Select); coding-DNA position 3852, one base deleted (T; older notation c.3852delT).
Protein change: p.Asp1285fs; shifts the reading frame from aspartic acid 1285.
Molecular consequence: frameshift variant.
Genome position (GRCh38, 1-based): chr20:49,012,018, T deleted. VCF-style (leftmost placement, unchanged base first): chr20-49012017-CT-C. GRCh37 (hg19) VCF-style: chr20-47628554-CT-C.
Other names: c.3849del, p.Asp1284fs (NM_001410846.1); short protein forms D1284fs, D1285fs.
Identifiers: ClinVar variation 4987116 (VCV004987116.1).